The following is an entry in ClinVar:

ClinVar aggregate classification (germline): Uncertain significance. Review status: criteria provided, multiple submitters, no conflicts (2 of 4 stars). 2 submissions from 2 submitters: Uncertain significance (2). Last evaluated 2023-11-24.

Allele frequency attached by ClinVar (database versions not stated): gnomAD exomes below 0.00001.
gnomAD v4.1: 3 of 1,614,018 alleles (0.00019%); highest among the groups gnomAD compares: Non-Finnish European, 0.00025%; no homozygotes.

Submissions (2):

Ambry Genetics
Classification: Uncertain significance. Last evaluated: 2023-11-24. Review status: criteria provided, single submitter. Criteria: Ambry Variant Classification Scheme 2023. Collection method: clinical testing. Allele origin: germline.
Comment: The p.I949N variant (also known as c.2846T>A), located in coding exon 14 of the NPAT gene, results from a T to A substitution at nucleotide position 2846. The isoleucine at codon 949 is replaced by asparagine, an amino acid with dissimilar properties. This amino acid position is conserved. In addition, the in silico prediction for this alteration is inconclusive. Since supporting evidence is limited at this time, the clinical significance of this alteration remains unclear.

Labcorp Genetics (formerly Invitae), Labcorp
Classification: Uncertain significance. Last evaluated: 2023-01-29. Review status: criteria provided, single submitter. Criteria: Invitae Variant Classification Sherloc (09022015). Collection method: clinical testing. Allele origin: germline.
Comment: In summary, the available evidence is currently insufficient to determine the role of this variant in disease. Therefore, it has been classified as a Variant of Uncertain Significance. Algorithms developed to predict the effect of missense changes on protein structure and function are either unavailable or do not agree on the potential impact of this missense change (SIFT: "Deleterious"; PolyPhen-2: "Probably Damaging"; Align-GVGD: "Class C0"). ClinVar contains an entry for this variant (Variation ID: 1796774). This variant has not been reported in the literature in individuals affected with NPAT-related conditions. This variant is not present in population databases (gnomAD no frequency). This sequence change replaces isoleucine, which is neutral and non-polar, with asparagine, which is neutral and polar, at codon 949 of the NPAT protein (p.Ile949Asn).

NM_002519.3(NPAT):c.2846T>A (p.Ile949Asn)

Gene: NPAT (nuclear protein, coactivator of histone transcription; minus strand). Cytogenetic location: 11q22.3.
Variant type: single nucleotide variant.
Coding change: c.2846T>A on transcript NM_002519.3 (MANE Select); coding-DNA position 2846, T replaced by A.
Protein change: p.Ile949Asn; replaces isoleucine 949 with asparagine.
Molecular consequence: missense variant.
Genome position (GRCh38, 1-based): chr11:108,169,983, A>T on the plus strand (T>A on the coding strand, the complement: NPAT is on the minus strand). VCF-style: chr11-108169983-A-T. GRCh37 (hg19) VCF-style: chr11-108040710-A-T.
Other names: c.2846T>A, p.Ile949Asn (NM_001321307.1); short protein forms I949N.
Identifiers: ClinVar variation 1796774 (VCV001796774.5), dbSNP rs898064413, ClinGen allele CA228380856.
Genomic context (GRCh38, chr11:108,169,983, plus strand): 5'-CTTACCTGCCGAGGAGGAGTAGAAAAGTTATTTCCATTCTGTCCAACCACAGATACTGGG[A>T]TCATCCCTACCATTCCTTGGAGTACAGGCTGGACTGGAGAGGCAATTATTATGGCAGATC-3'
Protein context (NP_002510.2, residues 939-959): QPVLQGMVGM[Ile949Asn]PVSVVGQNGN